The following is an entry in ClinVar:

NM_001171.6(ABCC6):c.3770C>A (p.Pro1257His)

Gene: ABCC6 (ATP binding cassette subfamily C member 6; minus strand). Cytogenetic location: 16p13.11.
Variant type: single nucleotide variant.
Coding change: c.3770C>A on transcript NM_001171.6 (MANE Select); coding-DNA position 3770, C replaced by A.
Protein change: p.Pro1257His; replaces proline 1257 with histidine.
Molecular consequence: missense variant. On other transcripts: non-coding transcript variant (1).
Genome position (GRCh38, 1-based): chr16:16,157,775, G>T on the plus strand (C>A on the coding strand, the complement: ABCC6 is on the minus strand). VCF-style: chr16-16157775-G-T. GRCh37 (hg19) VCF-style: chr16-16251632-G-T.
Other names: c.3428C>A, p.Pro1143His (NM_001351800.1); short protein forms P1143H, P1257H.
Identifiers: ClinVar variation 1521703 (VCV001521703.5), dbSNP rs576328904, ClinGen allele CA7925422.

ClinVar aggregate classification (germline): Uncertain significance. Review status: criteria provided, multiple submitters, no conflicts (2 of 4 stars). 2 submissions from 2 submitters: Uncertain significance (2). Last evaluated 2024-05-07.

Conditions:
Arterial calcification, generalized, of infancy, 2. Identifiers: Orphanet 51608, MedGen C3276161, MONDO:0013768, OMIM 614473.
Autosomal recessive inherited pseudoxanthoma elasticum (PXE). Identifiers: Orphanet 758, MedGen CN032334, MONDO:0009925, OMIM 264800.
Pseudoxanthoma elasticum, forme fruste. Also called: Pseudoxanthoma Elasticum, Incomplete; PSEUDOXANTHOMA ELASTICUM, HETEROZYGOUS. Identifiers: Orphanet 758, MedGen C1867450, MONDO:0008333, OMIM 177850.

Allele frequency attached by ClinVar (database versions not stated): gnomAD 0.00001 and 0.00002; TOPMed 0.00002; 1000 Genomes Project 0.00020; ExAC 0.00007; 1000 Genomes Project 30x 0.00031.
gnomAD v4.1: 47 of 1,613,406 alleles (0.0029%); highest among the groups gnomAD compares: Admixed American, 0.012%; no homozygotes.

Submissions (2):

Fulgent Genetics
Classification: Uncertain significance for Pseudoxanthoma elasticum, forme fruste; Autosomal recessive inherited pseudoxanthoma elasticum; Arterial calcification, generalized, of infancy, 2. Last evaluated: 2024-05-07. Review status: criteria provided, single submitter. Criteria: ACMG Guidelines, 2015. Collection method: clinical testing. Allele origin: germline.

Labcorp Genetics (formerly Invitae), Labcorp
Classification: Uncertain significance. Last evaluated: 2022-07-19. Review status: criteria provided, single submitter. Criteria: Invitae Variant Classification Sherloc (09022015). Collection method: clinical testing. Allele origin: germline.
Comment: This sequence change replaces proline, which is neutral and non-polar, with histidine, which is basic and polar, at codon 1257 of the ABCC6 protein (p.Pro1257His). This variant is present in population databases (rs576328904, gnomAD 0.01%). This variant has not been reported in the literature in individuals affected with ABCC6-related conditions. ClinVar contains an entry for this variant (Variation ID: 1521703). Advanced modeling of protein sequence and biophysical properties (such as structural, functional, and spatial information, amino acid conservation, physicochemical variation, residue mobility, and thermodynamic stability) performed at Invitae indicates that this missense variant is not expected to disrupt ABCC6 protein function. In summary, the available evidence is currently insufficient to determine the role of this variant in disease. Therefore, it has been classified as a Variant of Uncertain Significance.